The following is an entry in ClinVar:

ClinVar aggregate classification (germline): Likely benign (1 of 4 stars; one submission).

Submission:

CeGaT Center for Human Genetics Tuebingen
Classification: Likely benign. Last evaluated: 2025-06-01. Review status: criteria provided, single submitter. Criteria: CeGaT Center For Human Genetics Tuebingen Variant Classification Criteria Version 2. Collection method: clinical testing. Allele origin: germline. Affected: yes. Observed: 1 variant allele.
Comment: COQ8A: BP4, BP7

NM_020247.5(COQ8A):c.1587T>C (p.Ala529=)

Gene: COQ8A (coenzyme Q8A; plus strand). Cytogenetic location: 1q42.13.
Variant type: single nucleotide variant.
Coding change: c.1587T>C on transcript NM_020247.5 (MANE Select); coding-DNA position 1587, T replaced by C.
Protein change: p.Ala529=; no amino-acid change (alanine 529 retained).
Molecular consequence: synonymous variant.
Genome position (GRCh38, 1-based): chr1:226,985,268, T>C. VCF-style: chr1-226985268-T-C. GRCh37 (hg19) VCF-style: chr1-227172969-T-C.
Identifiers: ClinVar variation 3905663 (VCV003905663.10).